The following is an entry in ClinVar:

NM_001365999.1(SZT2):c.2774A>T (p.Lys925Met)

Gene: SZT2 (SZT2 subunit of KICSTOR complex; plus strand). Cytogenetic location: 1p34.2.
Variant type: single nucleotide variant.
Coding change: c.2774A>T on transcript NM_001365999.1 (MANE Select); coding-DNA position 2774, A replaced by T.
Protein change: p.Lys925Met; replaces lysine 925 with methionine.
Molecular consequence: missense variant.
Genome position (GRCh38, 1-based): chr1:43,425,602, A>T. VCF-style: chr1-43425602-A-T. GRCh37 (hg19) VCF-style: chr1-43891273-A-T.
Other names: c.2774A>T, p.Lys925Met (NM_015284.4); short protein forms K925M.
Identifiers: ClinVar variation 661037 (VCV000661037.15), dbSNP rs146937951, ClinGen allele CA808792.
Genomic context (GRCh38, chr1:43,425,602, plus strand): 5'-TCACTGAGGTGTGGGTGGAGCCACAGTATGGGCGAGTGGGACCTGGCCCTGGAATCTGGA[A>T]GCACCTCCAGGACCTGACGTATTCTGAGATCCCGCAAGCTGTGAGTGTCCTCAGAACAGT-3'
Protein context (NP_001352928.1, residues 915-935): GRVGPGPGIW[Lys925Met]HLQDLTYSEI

ClinVar aggregate classification (germline): Uncertain significance. Review status: criteria provided, multiple submitters, no conflicts (2 of 4 stars). 5 submissions from 5 submitters: Uncertain significance (4). 1 of the submissions does not count toward it. Last evaluated 2024-04-30.

Conditions:
Developmental and epileptic encephalopathy, 18 (DEE18). Also called: Early infantile epileptic encephalopathy 18. Identifiers: Orphanet 369894, MedGen C3809624, MONDO:0014201, OMIM 615476.
SZT2-related disorder. Also called: SZT2-related condition.
Inborn genetic diseases. Identifiers: MedGen C0950123, MeSH D030342.

Allele frequency attached by ClinVar (database versions not stated): ExAC 0.00028; gnomAD exomes 0.00029 and 0.00032; TOPMed 0.00031; gnomAD 0.00032 and 0.00033; ESP Exome Variant Server 0.00069.
gnomAD v4.1: 510 of 1,614,170 alleles (0.032%); highest among the groups gnomAD compares: Middle Eastern, 0.05%; 1 homozygote.

Submissions (5):

Ambry Genetics
Classification: Uncertain significance for Inborn genetic diseases. Last evaluated: 2024-04-30. Review status: criteria provided, single submitter. Criteria: Ambry Variant Classification Scheme 2023. Collection method: clinical testing. Allele origin: germline.

GeneDx
Classification: Uncertain significance. Last evaluated: 2023-05-23. Review status: criteria provided, single submitter. Criteria: GeneDx Variant Classification Process June 2021. Collection method: clinical testing. Allele origin: germline. Affected: yes.
Comment: In silico analysis supports that this missense variant does not alter protein structure/function; Has not been previously published as pathogenic or benign to our knowledge

Genome-Nilou Lab
Classification: Uncertain significance for Developmental and epileptic encephalopathy, 18. Last evaluated: 2023-04-11. Review status: criteria provided, single submitter. Criteria: ACMG Guidelines, 2015. Collection method: clinical testing. Allele origin: germline. Affected: no.

Labcorp Genetics (formerly Invitae), Labcorp
Classification: Uncertain significance. Last evaluated: 2022-10-28. Review status: criteria provided, single submitter. Criteria: Invitae Variant Classification Sherloc (09022015). Collection method: clinical testing. Allele origin: germline.
Comment: This sequence change replaces lysine, which is basic and polar, with methionine, which is neutral and non-polar, at codon 925 of the SZT2 protein (p.Lys925Met). This variant is present in population databases (rs146937951, gnomAD 0.05%). This variant has not been reported in the literature in individuals affected with SZT2-related conditions. ClinVar contains an entry for this variant (Variation ID: 661037). Advanced modeling of protein sequence and biophysical properties (such as structural, functional, and spatial information, amino acid conservation, physicochemical variation, residue mobility, and thermodynamic stability) performed at Invitae indicates that this missense variant is not expected to disrupt SZT2 protein function. In summary, the available evidence is currently insufficient to determine the role of this variant in disease. Therefore, it has been classified as a Variant of Uncertain Significance.

PreventionGenetics, part of Exact Sciences
Classification: Uncertain significance for SZT2-related condition. Last evaluated: 2024-04-18. Review status: no assertion criteria provided. Collection method: clinical testing. Allele origin: germline. Not counted in ClinVar's aggregate classification.
Comment: The SZT2 c.2774A>T variant is predicted to result in the amino acid substitution p.Lys925Met. To our knowledge, this variant has not been reported in the literature. This variant is reported in 0.053% of alleles in individuals of European (Non-Finnish) descent in gnomAD. At this time, the clinical significance of this variant is uncertain due to the absence of conclusive functional and genetic evidence.